The following is an entry in ClinVar:

ClinVar aggregate classification (germline): Uncertain significance (1 of 4 stars; one submission).

Conditions:
Rhabdoid tumor predisposition syndrome 2 (RTPS2). Identifiers: Orphanet 231108, Orphanet 69077, MedGen C2750074, MONDO:0013224, OMIM 613325.

Submission:

Labcorp Genetics (formerly Invitae), Labcorp
Classification: Uncertain significance for Rhabdoid tumor predisposition syndrome 2. Last evaluated: 2018-06-18. Review status: criteria provided, single submitter. Criteria: Invitae Variant Classification Sherloc (09022015). Collection method: clinical testing. Allele origin: germline.
Comment: In summary, the available evidence is currently insufficient to determine the role of this variant in disease. Therefore, it has been classified as a Variant of Uncertain Significance. This variant has not been reported in the literature in individuals with SMARCA4-related disease. This sequence change replaces glutamic acid with aspartic acid at codon 1525 of the SMARCA4 protein (p.Glu1525Asp). The glutamic acid residue is highly conserved and there is a small physicochemical difference between glutamic acid and aspartic acid. This variant is not present in population databases (ExAC no frequency). Algorithms developed to predict the effect of missense changes on protein structure and function are either unavailable or do not agree on the potential impact of this missense change (SIFT: "Deleterious"; PolyPhen-2: "Benign"; Align-GVGD: "Class C35").

NM_003072.5(SMARCA4):c.4479G>T (p.Glu1493Asp)

Gene: SMARCA4 (SWI/SNF related BAF chromatin remodeling complex subunit ATPase 4; plus strand). Cytogenetic location: 19p13.2.
Variant type: single nucleotide variant.
Coding change: c.4479G>T on transcript NM_003072.5 (MANE Select); coding-DNA position 4479, G replaced by T.
Protein change: p.Glu1493Asp; replaces glutamic acid 1493 with aspartic acid.
Molecular consequence: missense variant. On other transcripts: non-coding transcript variant (1).
Genome position (GRCh38, 1-based): chr19:11,058,309, G>T. VCF-style: chr19-11058309-G-T. GRCh37 (hg19) VCF-style: chr19-11168985-G-T.
Other names: c.4479G>T, p.Glu1493Asp (NM_001128844.3); c.4389G>T, p.Glu1463Asp (NM_001128845.2); c.4386G>T, p.Glu1462Asp (NM_001128846.2); c.4380G>T, p.Glu1460Asp (NM_001128847.4, NM_001374457.1); c.4377G>T, p.Glu1459Asp (NM_001128848.2); c.4575G>T, p.Glu1525Asp (NM_001128849.3, NM_001387283.1); short protein forms E1525D, E1460D, E1462D, E1463D, E1493D, E1459D.
Identifiers: ClinVar variation 576596 (VCV000576596.8), dbSNP rs1568560832, ClinGen allele CA404077613.